The following is an entry in ClinVar:

ClinVar aggregate classification (germline): Uncertain significance. Review status: criteria provided, multiple submitters, no conflicts (2 of 4 stars). 3 submissions from 3 submitters: Uncertain significance (3). Last evaluated 2025-09-26.

Submissions (3):

Ambry Genetics
Classification: Uncertain significance. Last evaluated: 2025-09-26. Review status: criteria provided, single submitter. Criteria: Ambry Variant Classification Scheme 2023. Collection method: clinical testing. Allele origin: germline.
Comment: The p.A29V variant (also known as c.86C>T), located in coding exon 1 of the GALNT12 gene, results from a C to T substitution at nucleotide position 86. The alanine at codon 29 is replaced by valine, an amino acid with similar properties. This amino acid position is conserved. In addition, this alteration is predicted to be tolerated by in silico analysis. Based on the available evidence, the clinical significance of this variant remains unclear.

Labcorp Genetics (formerly Invitae), Labcorp
Classification: Uncertain significance. Last evaluated: 2024-05-15. Review status: criteria provided, single submitter. Criteria: Invitae Variant Classification Sherloc (09022015). Collection method: clinical testing. Allele origin: germline.
Comment: This sequence change replaces alanine, which is neutral and non-polar, with valine, which is neutral and non-polar, at codon 29 of the GALNT12 protein (p.Ala29Val). This variant is not present in population databases (gnomAD no frequency). This variant has not been reported in the literature in individuals affected with GALNT12-related conditions. An algorithm developed to predict the effect of missense changes on protein structure and function (PolyPhen-2) suggests that this variant is likely to be tolerated. In summary, the available evidence is currently insufficient to determine the role of this variant in disease. Therefore, it has been classified as a Variant of Uncertain Significance.

Quest Diagnostics Nichols Institute San Juan Capistrano
Classification: Uncertain significance. Last evaluated: 2023-08-14. Review status: criteria provided, single submitter. Criteria: Quest Diagnostics criteria. Collection method: clinical testing. Allele origin: unknown.
Comment: To the best of our knowledge, this variant has not been reported in the published literature. It also has not been reported in large, multi-ethnic general populations (Genome Aggregation Database). Analysis of this variant using bioinformatics tools for the prediction of the effect of amino acid changes on protein structure and function yielded predictions that this variant is benign. Based on the available information, we are unable to determine the clinical significance of this variant.

NM_024642.5(GALNT12):c.86C>T (p.Ala29Val)

Genes: GALNT12 (polypeptide N-acetylgalactosaminyltransferase 12; plus strand), LOC130002222 (ATAC-STARR-seq lymphoblastoid silent region 20123; plus strand). Cytogenetic location: 9q22.33.
Variant type: single nucleotide variant.
Coding change: c.86C>T on transcript NM_024642.5 (MANE Select); coding-DNA position 86, C replaced by T.
Protein change: p.Ala29Val; replaces alanine 29 with valine.
Molecular consequence: missense variant.
Genome position (GRCh38, 1-based): chr9:98,807,784, C>T. VCF-style: chr9-98807784-C-T. GRCh37 (hg19) VCF-style: chr9-101570066-C-T.
Other names: short protein forms A29V.
Identifiers: ClinVar variation 2681957 (VCV002681957.5), dbSNP rs1310082193, ClinGen allele CA374222226.